The following is an entry in ClinVar:

NM_003079.5(SMARCE1):c.752G>A (p.Arg251Gln)

Gene: SMARCE1 (SWI/SNF related BAF chromatin remodeling complex subunit E1; minus strand). Cytogenetic location: 17q21.2.
Variant type: single nucleotide variant.
Coding change: c.752G>A on transcript NM_003079.5 (MANE Select); coding-DNA position 752, G replaced by A.
Protein change: p.Arg251Gln; replaces arginine 251 with glutamine.
Molecular consequence: missense variant.
Genome position (GRCh38, 1-based): chr17:40,631,656, C>T on the plus strand (G>A on the coding strand, the complement: SMARCE1 is on the minus strand). VCF-style: chr17-40631656-C-T. GRCh37 (hg19) VCF-style: chr17-38787908-C-T.
Other names: short protein forms R251Q.
Identifiers: ClinVar variation 1759370 (VCV001759370.8), dbSNP rs778796615, ClinGen allele CA8545176.
Genomic context (GRCh38, chr17:40,631,656, plus strand): 5'-TTAAGTTCATTGTTAAATGAATCTGTGCTTTCCAGGAATTTCCTCTTCTTCTCCTGGTGT[C>T]GTTCCTCTATTTGAAGAAGTTCAGCTTCTAGTTTTCGCTGCAAGACAGGATCAGGCTTCA-3'
Protein context (NP_003070.3, residues 241-261): LEAELLQIEE[Arg251Gln]HQEKKRKFLE

ClinVar aggregate classification (germline): Uncertain significance. Review status: criteria provided, multiple submitters, no conflicts (2 of 4 stars). 2 submissions from 2 submitters: Uncertain significance (2). Last evaluated 2025-07-15.

Conditions:
Hereditary cancer-predisposing syndrome. Also called: Neoplastic Syndromes, Hereditary; Tumor predisposition; Hereditary Cancer Syndrome; Hereditary neoplastic syndrome. Identifiers: Orphanet 140162, MedGen C0027672, MeSH D009386, MONDO:0015356.
Familial meningioma. Also called: Meningioma, familial, susceptibility to. Identifiers: Orphanet 263662, MedGen C3551915, MONDO:0011789, OMIM 607174.

Allele frequency attached by ClinVar (database versions not stated): ExAC 0.00001.
gnomAD v4.1: 1 of 1,611,280 alleles (0.000062%); highest among the groups gnomAD compares: Non-Finnish European, 0.000085%; no homozygotes.

Submissions (2):

Ambry Genetics
Classification: Uncertain significance for Hereditary cancer-predisposing syndrome. Last evaluated: 2025-07-15. Review status: criteria provided, single submitter. Criteria: Ambry Variant Classification Scheme 2023. Collection method: clinical testing. Allele origin: germline.
Comment: The p.R251Q variant (also known as c.752G>A), located in coding exon 8 of the SMARCE1 gene, results from a G to A substitution at nucleotide position 752. The arginine at codon 251 is replaced by glutamine, an amino acid with highly similar properties. This alteration was identified as a de novo variant in a child with intellectual and motor delays, multiple birth defects, and dysmorphic features overlapping with oculoauriculofrontonasal syndrome (Yano S et al. Clin. Genet. 2018 11;94:487-488). This amino acid position is highly conserved in available vertebrate species. In addition, the in silico prediction for this alteration is inconclusive. Since supporting evidence is limited at this time, the clinical significance of this alteration remains unclear.

Labcorp Genetics (formerly Invitae), Labcorp
Classification: Uncertain significance for Familial meningioma. Last evaluated: 2024-09-30. Review status: criteria provided, single submitter. Criteria: Invitae Variant Classification Sherloc (09022015). Collection method: clinical testing. Allele origin: germline.
Comment: This sequence change replaces arginine, which is basic and polar, with glutamine, which is neutral and polar, at codon 251 of the SMARCE1 protein (p.Arg251Gln). This variant is present in population databases (rs778796615, gnomAD 0.0009%). This missense change has been observed in individual(s) with Coffin-Siris syndrome (PMID: 30209809). In at least one individual the variant was observed to be de novo. ClinVar contains an entry for this variant (Variation ID: 1759370). Invitae Evidence Modeling of protein sequence and biophysical properties (such as structural, functional, and spatial information, amino acid conservation, physicochemical variation, residue mobility, and thermodynamic stability) indicates that this missense variant is expected to disrupt SMARCE1 protein function with a positive predictive value of 80%. In summary, the available evidence is currently insufficient to determine the role of this variant in disease. Therefore, it has been classified as a Variant of Uncertain Significance.

Literature cited by the submitters: PubMed 30209809 (cited by Ambry Genetics and Labcorp Genetics (formerly Invitae), Labcorp).